The following is an entry in ClinVar:

ClinVar aggregate classification (germline): Uncertain significance (1 of 4 stars; one submission).

Submission:

Labcorp Genetics (formerly Invitae), Labcorp
Classification: Uncertain significance. Last evaluated: 2023-08-11. Review status: criteria provided, single submitter. Criteria: Invitae Variant Classification Sherloc (09022015). Collection method: clinical testing. Allele origin: germline.
Comment: In summary, the available evidence is currently insufficient to determine the role of this variant in disease. Therefore, it has been classified as a Variant of Uncertain Significance. Advanced modeling of protein sequence and biophysical properties (such as structural, functional, and spatial information, amino acid conservation, physicochemical variation, residue mobility, and thermodynamic stability) performed at Invitae indicates that this missense variant is not expected to disrupt GHR protein function. This variant has not been reported in the literature in individuals affected with GHR-related conditions. This variant is not present in population databases (gnomAD no frequency). This sequence change replaces isoleucine, which is neutral and non-polar, with valine, which is neutral and non-polar, at codon 473 of the GHR protein (p.Ile473Val).

NM_000163.5(GHR):c.1417A>G (p.Ile473Val)

Gene: GHR (growth hormone receptor; plus strand). Cytogenetic location: 5p12.
Variant type: single nucleotide variant.
Coding change: c.1417A>G on transcript NM_000163.5 (MANE Select); coding-DNA position 1417, A replaced by G.
Protein change: p.Ile473Val; replaces isoleucine 473 with valine.
Molecular consequence: missense variant. On other transcripts: 3 prime UTR variant (1).
Genome position (GRCh38, 1-based): chr5:42,718,924, A>G. VCF-style: chr5-42718924-A-G. GRCh37 (hg19) VCF-style: chr5-42719026-A-G.
Other names: c.1438A>G, p.Ile480Val (NM_001242399.2); c.1417A>G, p.Ile473Val (NM_001242400.2, NM_001242401.4, NM_001242402.2 and 4 more transcripts); c.1351A>G, p.Ile451Val (NM_001242460.2); c.*459A>G (NM_001242462.1); short protein forms I480V, I451V, I473V.
Identifiers: ClinVar variation 2752086 (VCV002752086.3), dbSNP rs2530780561, ClinGen allele CA359630177.